The following is an entry in ClinVar:

ClinVar aggregate classification (germline): Uncertain significance (1 of 4 stars; one submission).

Conditions:
ATP2B4-related disorder. Also called: ATP2B4-related condition.

gnomAD v4.1: 17 of 1,614,032 alleles (0.0011%); highest among the groups gnomAD compares: Admixed American, 0.0017%; no homozygotes.

Submission:

PreventionGenetics, part of Exact Sciences
Classification: Uncertain significance for ATP2B4-related condition. Last evaluated: 2025-09-10. Review status: criteria provided, single submitter. Criteria: ACMG Guidelines, 2015. Collection method: clinical testing. Allele origin: germline.
Comment: The ATP2B4 c.981C>A variant is predicted to result in the amino acid substitution p.Asn327Lys. To our knowledge, this variant has not been reported in the literature or in a large population database (gnomAD), indicating this variant is rare. At this time, the clinical significance of this variant is uncertain due to the absence of conclusive functional and genetic evidence.

NM_001684.5(ATP2B4):c.981C>A (p.Asn327Lys)

Gene: ATP2B4 (ATPase plasma membrane Ca2+ transporting 4; plus strand). Cytogenetic location: 1q32.1.
Variant type: single nucleotide variant.
Coding change: c.981C>A on transcript NM_001684.5 (MANE Select); coding-DNA position 981, C replaced by A.
Protein change: p.Asn327Lys; replaces asparagine 327 with lysine.
Molecular consequence: missense variant.
Genome position (GRCh38, 1-based): chr1:203,703,695, C>A. VCF-style: chr1-203703695-C-A. GRCh37 (hg19) VCF-style: chr1-203672823-C-A.
Other names: c.981C>A, p.Asn327Lys (NM_001001396.3, NM_001365783.2, NM_001365784.2); short protein forms N327K.
Identifiers: ClinVar variation 4979677 (VCV004979677.1).